The following is an entry in ClinVar:

NM_023110.3(FGFR1):c.128T>G (p.Phe43Cys)

Gene: FGFR1 (fibroblast growth factor receptor 1; minus strand). Cytogenetic location: 8p11.23.
Variant type: single nucleotide variant.
Coding change: c.128T>G on transcript NM_023110.3 (MANE Select); coding-DNA position 128, T replaced by G.
Protein change: p.Phe43Cys; replaces phenylalanine 43 with cysteine.
Molecular consequence: missense variant. On other transcripts: intron variant (5).
Genome position (GRCh38, 1-based): chr8:38,429,912, A>C on the plus strand (T>G on the coding strand, the complement: FGFR1 is on the minus strand). VCF-style: chr8-38429912-A-C. GRCh37 (hg19) VCF-style: chr8-38287430-A-C.
Other names: c.128T>G, p.Phe43Cys (NM_001174063.2, NM_001174065.2, NM_001354367.2 and 2 more transcripts); c.104T>G, p.Phe35Cys (NM_001174064.2); c.227T>G, p.Phe76Cys (NM_001174067.2); c.92-1477T>G (NM_001354368.2, NM_001354370.2, NM_023106.3 and 2 more transcripts); short protein forms F43C, F35C, F76C.
Identifiers: ClinVar variation 426196 (VCV000426196.10), dbSNP rs1085307493, ClinGen allele CA370736589.
Genomic context (GRCh38, chr8:38,429,912, plus strand): 5'-CTCTGCACATCGTCCCGCAGCCGACAGCGAAGCTGCAGCAGGTCACCGGGGTGGACCAGG[A>C]AGGACTCCACTTCCACAGGGGCTCCCCAGGGCTGGGCTGCAGCCACCACGGGGCCGGGAA-3'
Protein context (NP_075598.2, residues 33-53): PWGAPVEVES[Phe43Cys]LVHPGDLLQL

ClinVar aggregate classification (germline): Uncertain significance. Review status: criteria provided, multiple submitters, no conflicts (2 of 4 stars). 4 submissions from 4 submitters: Uncertain significance (4). Last evaluated 2024-10-16.

Conditions:
Encephalocraniocutaneous lipomatosis (ECCL). Identifiers: Orphanet 2396, MedGen C0406612, MONDO:0013074, OMIM 613001.
Hypogonadotropic hypogonadism 2 with or without anosmia (HH2). Also called: HYPOGONADOTROPIC HYPOGONADISM 2 WITHOUT ANOSMIA; HYPOGONADOTROPIC HYPOGONADISM 2 WITHOUT ANOSMIA, SUSCEPTIBILITY TO; FGFR1-Related GnRH Deficiency (Kallmann Syndrome 2); HYPOGONADOTROPIC HYPOGONADISM 2 WITH OR WITHOUT ANOSMIA, SUSCEPTIBILITY TO. Identifiers: Orphanet 478, MedGen C1563720, MONDO:0007844, OMIM 147950. Disease mechanism: loss of function.
Hartsfield-Bixler-Demyer syndrome (HRTFDS). Also called: Holoprosencephaly, ectrodactyly, and bilateral cleft lip/palate; FGFR1-Related Hartsfield Syndrome; Hartsfield syndrome. Identifiers: Orphanet 2117, MedGen C1845146, MONDO:0014196, OMIM 615465. Disease mechanism: loss of function.
Jackson-Weiss syndrome (JWS). Also called: CRANIOSYNOSTOSIS, MIDFACIAL HYPOPLASIA, AND FOOT ABNORMALITIES. Identifiers: Orphanet 1540, MedGen C0795998, MONDO:0007400, OMIM 123150. Disease mechanism: loss of function.
Trigonocephaly 1 (TRIGNO1). Identifiers: Orphanet 3366, MedGen C0432122, MONDO:0008603, OMIM 190440.
Pfeiffer syndrome (ACS5). Also called: ACS V. Identifiers: Orphanet 710, MedGen C0220658, MONDO:0007043, OMIM 101600.
Osteoglophonic dysplasia (OGD). Also called: Osteoglophonic dwarfism. Identifiers: Orphanet 2645, MedGen C0432283, MONDO:0008150, OMIM 166250.
Inborn genetic diseases. Identifiers: MedGen C0950123, MeSH D030342.

Allele frequency attached by ClinVar (database versions not stated): gnomAD exomes below 0.00001; gnomAD 0.00001; TOPMed 0.00002.

Submissions (4):

Labcorp Genetics (formerly Invitae), Labcorp
Classification: Uncertain significance for Pfeiffer syndrome; Hypogonadotropic hypogonadism 2 with or without anosmia. Last evaluated: 2024-10-16. Review status: criteria provided, single submitter. Criteria: Invitae Variant Classification Sherloc (09022015). Collection method: clinical testing. Allele origin: germline.
Comment: This sequence change replaces phenylalanine, which is neutral and non-polar, with cysteine, which is neutral and slightly polar, at codon 43 of the FGFR1 protein (p.Phe43Cys). This variant is not present in population databases (gnomAD no frequency). This variant has not been reported in the literature in individuals affected with FGFR1-related conditions. ClinVar contains an entry for this variant (Variation ID: 426196). Invitae Evidence Modeling of protein sequence and biophysical properties (such as structural, functional, and spatial information, amino acid conservation, physicochemical variation, residue mobility, and thermodynamic stability) has been performed for this missense variant. However, the output from this modeling did not meet the statistical confidence thresholds required to predict the impact of this variant on FGFR1 protein function. In summary, the available evidence is currently insufficient to determine the role of this variant in disease. Therefore, it has been classified as a Variant of Uncertain Significance.

Ambry Genetics
Classification: Uncertain significance for Inborn genetic diseases. Last evaluated: 2023-12-21. Review status: criteria provided, single submitter. Criteria: Ambry Variant Classification Scheme 2023. Collection method: clinical testing. Allele origin: germline.

Fulgent Genetics
Classification: Uncertain significance for Pfeiffer syndrome; Jackson-Weiss syndrome; Hypogonadotropic hypogonadism 2 with or without anosmia; Osteoglophonic dysplasia; Trigonocephaly 1; Encephalocraniocutaneous lipomatosis; Hartsfield-Bixler-Demyer syndrome. Last evaluated: 2021-11-24. Review status: criteria provided, single submitter. Criteria: ACMG Guidelines, 2015. Collection method: clinical testing. Allele origin: unknown.

GeneDx
Classification: Uncertain significance. Last evaluated: 2017-04-27. Review status: criteria provided, single submitter. Criteria: GeneDx Variant Classification (06012015). Collection method: clinical testing. Allele origin: germline. Affected: yes.
Comment: The F43C variant has not been published as a pathogenic variant, nor has it been reported as a benign variant to our knowledge. The variant is not observed in large population cohorts (Lek et al., 2016; 1000 Genomes Consortium et al., 2015; Exome Variant Server). F43C variant is a non-conservative amino acid substitution, which is likely to impact secondary protein structure as these residues differ in polarity, charge, size and/or other properties. However, this substitution occurs at a position that is not conserved, and in silico analysis is inconsistent in its predictions as to whether or not the variant is damaging to the protein structure/function. In summary, based on the currently available information, it is unclear whether this variant is a pathogenic variant or a rare benign variant.